The following is an entry in ClinVar:

ClinVar aggregate classification (germline): Uncertain significance (1 of 4 stars; one submission).

gnomAD v4.1: 61 of 1,614,086 alleles (0.0038%); highest among the groups gnomAD compares: African/African-American, 0.06%; no homozygotes.

Submission:

Dasa
Classification: Uncertain significance. Last evaluated: 2025-11-13. Review status: criteria provided, single submitter. Criteria: DASA Assertion Criteria. Collection method: clinical testing. Allele origin: germline.
Comment: NM_002472.3(MYH8):c.5075G>A (p.Trp1692*) is a nonsense variant in MYH8 predicted to introduce a premature termination codon. This variant is rare in population databases. The currently available literature and clinical evidence are not sufficient to establish a definitive association between this variant and the reported condition. Therefore, this variant is classified as a variant of uncertain significance.

NM_002472.3(MYH8):c.5075G>A (p.Trp1692Ter)

Genes: MYH8 (myosin heavy chain 8; minus strand), MYHAS (myosin heavy chain gene cluster antisense RNA; plus strand). Cytogenetic location: 17p13.1.
Variant type: single nucleotide variant.
Coding change: c.5075G>A on transcript NM_002472.3 (MANE Select); coding-DNA position 5075, G replaced by A.
Protein change: p.Trp1692Ter; replaces tryptophan 1692 with a stop codon.
Molecular consequence: nonsense.
Genome position (GRCh38, 1-based): chr17:10,394,340, C>T on the plus strand (G>A on the coding strand, the complement: MYH8 is on the minus strand). VCF-style: chr17-10394340-C-T. GRCh37 (hg19) VCF-style: chr17-10297657-C-T.
Other names: short protein forms W1692*.
Identifiers: ClinVar variation 4886040 (VCV004886040.2).